The following is an entry in ClinVar:

ClinVar aggregate classification (germline): Uncertain significance (1 of 4 stars; one submission).

Allele frequency attached by ClinVar (database versions not stated): gnomAD exomes below 0.00001; TOPMed 0.00001.
gnomAD v4.1: 4 of 1,552,094 alleles (0.00026%); highest among the groups gnomAD compares: East Asian, 0.0098%; no homozygotes.

Submission:

Labcorp Genetics (formerly Invitae), Labcorp
Classification: Uncertain significance. Last evaluated: 2022-12-12. Review status: criteria provided, single submitter. Criteria: Invitae Variant Classification Sherloc (09022015). Collection method: clinical testing. Allele origin: germline.
Comment: This sequence change replaces histidine, which is basic and polar, with arginine, which is basic and polar, at codon 563 of the ZSWIM6 protein (p.His563Arg). This variant is not present in population databases (gnomAD no frequency). This variant has not been reported in the literature in individuals affected with ZSWIM6-related conditions. Algorithms developed to predict the effect of missense changes on protein structure and function are either unavailable or do not agree on the potential impact of this missense change (SIFT: "Deleterious"; PolyPhen-2: "Benign"; Align-GVGD: "Class C0"). In summary, the available evidence is currently insufficient to determine the role of this variant in disease. Therefore, it has been classified as a Variant of Uncertain Significance.

NM_020928.2(ZSWIM6):c.1688A>G (p.His563Arg)

Gene: ZSWIM6 (zinc finger SWIM-type containing 6; plus strand). Cytogenetic location: 5q12.1.
Variant type: single nucleotide variant.
Coding change: c.1688A>G on transcript NM_020928.2 (MANE Select); coding-DNA position 1688, A replaced by G.
Protein change: p.His563Arg; replaces histidine 563 with arginine.
Molecular consequence: missense variant.
Genome position (GRCh38, 1-based): chr5:61,525,974, A>G. VCF-style: chr5-61525974-A-G. GRCh37 (hg19) VCF-style: chr5-60821801-A-G.
Other names: short protein forms H563R.
Identifiers: ClinVar variation 2978845 (VCV002978845.3), dbSNP rs1749267753, ClinGen allele CA359943630.